The following is an entry in ClinVar:

NM_014915.3(ANKRD26):c.4819A>G (p.Met1607Val)

Gene: ANKRD26 (ankyrin repeat domain containing 26; minus strand). Cytogenetic location: 10p12.1.
Variant type: single nucleotide variant.
Coding change: c.4819A>G on transcript NM_014915.3 (MANE Select); coding-DNA position 4819, A replaced by G.
Protein change: p.Met1607Val; replaces methionine 1607 with valine.
Molecular consequence: missense variant.
Genome position (GRCh38, 1-based): chr10:27,013,016, T>C on the plus strand (A>G on the coding strand, the complement: ANKRD26 is on the minus strand). VCF-style: chr10-27013016-T-C. GRCh37 (hg19) VCF-style: chr10-27301945-T-C.
Other names: c.4816A>G, p.Met1606Val (NM_001256053.2); short protein forms M1606V, M1607V.
Identifiers: ClinVar variation 3397369 (VCV003397369.1).

ClinVar aggregate classification (germline): Uncertain significance (1 of 4 stars; one submission).

Conditions:
Inborn genetic diseases. Identifiers: MedGen C0950123, MeSH D030342.

Submission:

Ambry Genetics
Classification: Uncertain significance for Inborn genetic diseases. Last evaluated: 2024-12-09. Review status: criteria provided, single submitter. Criteria: Ambry Variant Classification Scheme 2023. Collection method: clinical testing. Allele origin: germline.
Comment: The p.M1607V variant (also known as c.4819A>G), located in coding exon 32 of the ANKRD26 gene, results from an A to G substitution at nucleotide position 4819. The methionine at codon 1607 is replaced by valine, an amino acid with highly similar properties. This amino acid position is conserved. In addition, this alteration is predicted to be tolerated by in silico analysis. Based on the available evidence, the clinical significance of this variant remains unclear.